The following is an entry in ClinVar:

NM_006514.4(SCN10A):c.3924G>C (p.Trp1308Cys)

Gene: SCN10A (sodium voltage-gated channel alpha subunit 10; minus strand). Cytogenetic location: 3p22.2.
Variant type: single nucleotide variant.
Coding change: c.3924G>C on transcript NM_006514.4 (MANE Select); coding-DNA position 3924, G replaced by C.
Protein change: p.Trp1308Cys; replaces tryptophan 1308 with cysteine.
Molecular consequence: missense variant.
Genome position (GRCh38, 1-based): chr3:38,712,326, C>G on the plus strand (G>C on the coding strand, the complement: SCN10A is on the minus strand). VCF-style: chr3-38712326-C-G. GRCh37 (hg19) VCF-style: chr3-38753817-C-G.
Other names: c.3921G>C, p.Trp1307Cys (NM_001293306.2); c.3630G>C, p.Trp1210Cys (NM_001293307.2); short protein forms W1210C, W1308C, W1307C.
Identifiers: ClinVar variation 5029090 (VCV005029090.1).

ClinVar aggregate classification (germline): Uncertain significance (1 of 4 stars; one submission).

Conditions:
Cardiovascular phenotype. Identifiers: MedGen CN230736.

Submission:

Ambry Genetics
Classification: Uncertain significance for Cardiovascular phenotype. Last evaluated: 2026-07-31. Review status: criteria provided, single submitter. Criteria: Ambry Variant Classification Scheme 2023. Collection method: clinical testing. Allele origin: germline.
Comment: The p.W1308C variant (also known as c.3924G>C), located in coding exon 22 of the SCN10A gene, results from a G to C substitution at nucleotide position 3924. The tryptophan at codon 1308 is replaced by cysteine, an amino acid with highly dissimilar properties. This amino acid position is conserved. In addition, the in silico prediction for this alteration is inconclusive. Based on the available evidence, the clinical significance of this variant remains unclear.